The following is an entry in ClinVar:

ClinVar aggregate classification (germline): Pathogenic (1 of 4 stars; one submission).

Conditions:
Asphyxiating thoracic dystrophy 3. Also called: SHORT-RIB THORACIC DYSPLASIA 3 WITH OR WITHOUT POLYDACTYLY; POLYDACTYLY WITH NEONATAL CHONDRODYSTROPHY, TYPE I; SHORT-RIB THORACIC DYSPLASIA 3/6 WITH POLYDACTYLY, DIGENIC; Short rib polydactyly syndrome 2B; Saldino-Noonan Syndrome. Identifiers: Orphanet 474, Orphanet 93269, Orphanet 93270, Orphanet 93271, MedGen C0036069, MONDO:0013127, OMIM 613091.

Submission:

Myriad Genetics, Inc.
Classification: Pathogenic for Asphyxiating thoracic dystrophy 3. Last evaluated: 2025-10-21. Review status: criteria provided, single submitter. Criteria: Myriad Autosomal Dominant, Autosomal Recessive and X-Linked Classification Criteria (2023). Collection method: clinical testing. Allele origin: unknown.
Comment: NM_001377.2(DYNC2H1):c.5070_5077del8(A1691Wfs*21) is expected to be pathogenic in the context of DYNC2H1-related disorders. This variant is predicted to lead to an abnormal or absent protein product due to the creation of a premature termination codon in DYNC2H1, a gene where loss-of-function variants are known to be pathogenic. Please note: this variant was assessed in the context of healthy population screening.

NM_001377.3(DYNC2H1):c.5070_5077del (p.Ala1691fs)

Gene: DYNC2H1 (dynein cytoplasmic 2 heavy chain 1; plus strand). Cytogenetic location: 11q22.3.
Variant type: Deletion.
Coding change: c.5070_5077del on transcript NM_001377.3 (MANE Select); coding-DNA positions 5070 to 5077, 8 bases deleted (AGCTGGAA; older notation c.5070_5077delAGCTGGAA).
Protein change: p.Ala1691fs; shifts the reading frame from alanine 1691.
Molecular consequence: frameshift variant.
Genome position (GRCh38, 1-based): chr11:103,170,209-103,170,216, AGCTGGAA deleted. VCF-style (leftmost placement, unchanged base first): chr11-103170208-CAGCTGGAA-C. GRCh37 (hg19) VCF-style: chr11-103040937-CAGCTGGAA-C.
Other names: c.5070_5077del, p.Ala1691fs (NM_001080463.2); short protein forms A1691fs.
Identifiers: ClinVar variation 5015122 (VCV005015122.1).
Genomic context (GRCh38, chr11:103,170,208, plus strand): 5'-AGTGCTACTTAACTCTCACTCAAGCCATGAAGATGGGACTTGGAGGAAATCCTTATGGAC[CAGCTGGAA>C]CTGGGAAAACGGAATCAGTAAAGGCTTTAGGTGGACTTCTTGGAAGACAAGTTTTAGTCT-3'